The following is an entry in ClinVar:

NM_198586.3(NHLRC1):c.386C>A (p.Pro129His)

Gene: NHLRC1 (NHL repeat containing E3 ubiquitin protein ligase 1; minus strand). Cytogenetic location: 6p22.3.
Variant type: single nucleotide variant.
Coding change: c.386C>A on transcript NM_198586.3 (MANE Select); coding-DNA position 386, C replaced by A.
Protein change: p.Pro129His; replaces proline 129 with histidine.
Molecular consequence: missense variant.
Genome position (GRCh38, 1-based): chr6:18,122,221, G>T on the plus strand (C>A on the coding strand, the complement: NHLRC1 is on the minus strand). VCF-style: chr6-18122221-G-T. GRCh37 (hg19) VCF-style: chr6-18122452-G-T.
Other names: p.P129H:CCC>CAC; short protein forms P129H.
Identifiers: ClinVar variation 206187 (VCV000206187.16), dbSNP rs750465793, ClinGen allele CA316031.

ClinVar aggregate classification (germline): Pathogenic/Likely pathogenic. Review status: criteria provided, multiple submitters, no conflicts (2 of 4 stars). 5 submissions from 5 submitters: Pathogenic (3); Likely pathogenic (1). 1 of the submissions does not count toward it. Last evaluated 2024-10-03.

Conditions:
Lafora disease. Also called: Epilepsy progressive myoclonic 2; Progressive Myoclonus Epilepsy, Lafora Type. Identifiers: Orphanet 501, MedGen C0751783, MONDO:0009697.
Myoclonic epilepsy of Lafora 2. Also called: EPILEPSY, PROGRESSIVE MYOCLONIC, 2B; Epilepsy, progressive myoclonic 2B (Lafora); LAFORA DISEASE 2; NHLRC1-Related Lafora Disease. Identifiers: MedGen C1850764, MONDO:0800306, OMIM 620681.

Allele frequency attached by ClinVar (database versions not stated): ExAC 0.00001; TOPMed 0.00002; gnomAD exomes 0.00001; gnomAD 0.00001.

Submissions (5):

Women's Health and Genetics/Laboratory Corporation of America, LabCorp
Classification: Pathogenic for Myoclonic epilepsy of Lafora 2. Last evaluated: 2024-10-03. Review status: criteria provided, single submitter. Criteria: LabCorp Variant Classification Summary - May 2015. Collection method: clinical testing. Allele origin: germline.
Comment: Variant summary: NHLRC1 c.386C>A (p.Pro129His) results in a non-conservative amino acid change in the encoded protein sequence. Five of five in-silico tools predict a damaging effect of the variant on protein function. The variant allele was found at a frequency of 8.2e-06 in 244298 control chromosomes. c.386C>A has been reported in the literature in multiple homozygous and compound heterozygous individuals affected with Myoclonic Epilepsy Of Lafora 2 (Lohi_2007, Zutt_2016, Lesca_2010, Nicolescu_2018). These data indicate that the variant is very likely to be associated with disease. To our knowledge, no experimental evidence demonstrating an impact on protein function has been reported. The following publications have been ascertained in the context of this evaluation (PMID: 20738377, 17389303, 30701169, 29588937). ClinVar contains an entry for this variant (Variation ID: 206187). Based on the evidence outlined above, the variant was classified as pathogenic.

Labcorp Genetics (formerly Invitae), Labcorp
Classification: Pathogenic for Lafora disease. Last evaluated: 2024-03-16. Review status: criteria provided, single submitter. Criteria: Invitae Variant Classification Sherloc (09022015). Collection method: clinical testing. Allele origin: germline.
Comment: This sequence change replaces proline, which is neutral and non-polar, with histidine, which is basic and polar, at codon 129 of the NHLRC1 protein (p.Pro129His). This variant is present in population databases (rs750465793, gnomAD 0.002%). This missense change has been observed in individual(s) with progressive myoclonic epilepsy (PMID: 20738377, 29588937, 30701169). ClinVar contains an entry for this variant (Variation ID: 206187). Advanced modeling of protein sequence and biophysical properties (such as structural, functional, and spatial information, amino acid conservation, physicochemical variation, residue mobility, and thermodynamic stability) performed at Invitae indicates that this missense variant is expected to disrupt NHLRC1 protein function with a positive predictive value of 80%. For these reasons, this variant has been classified as Pathogenic.

GeneDx
Classification: Likely pathogenic. Last evaluated: 2022-02-24. Review status: criteria provided, single submitter. Criteria: GeneDx Variant Classification Process June 2021. Collection method: clinical testing. Allele origin: germline. Affected: yes.
Comment: Published functional studies suggest a damaging effect resulting in impaired mitochondrial function, increased oxidative stress, and reduced antioxidant enzymatic activity (Rom-Mateo et al., 2015); Not observed at significant frequency in large population cohorts (gnomAD); In silico analysis supports that this missense variant has a deleterious effect on protein structure/function; This variant is associated with the following publications: (PMID: 32587944, 17389303, 30701169, 29588937, 19267391, 24838580, 20738377)

Genome Diagnostics Laboratory, University Medical Center Utrecht
Classification: Pathogenic for Myoclonic epilepsy of Lafora 1. Last evaluated: 2014-10-08. Review status: criteria provided, single submitter. Criteria: ACGS Guidelines, 2013. Collection method: clinical testing. Allele origin: germline. Affected: yes. Study: VKGL Data-share Consensus.

Diagnostic Laboratory, Department of Genetics, University Medical Center Groningen
Classification: Pathogenic for Myoclonic epilepsy of Lafora 1. Review status: no assertion criteria provided. Collection method: clinical testing. Allele origin: germline. Affected: yes. Study: VKGL Data-share Consensus. Not counted in ClinVar's aggregate classification.

Literature cited by the submitters: PubMed 32587944 (cited by Women's Health and Genetics/Laboratory Corporation of America, LabCorp); PubMed 20738377 (cited by Women's Health and Genetics/Laboratory Corporation of America, LabCorp and Labcorp Genetics (formerly Invitae), Labcorp); PubMed 17389303 (cited by Women's Health and Genetics/Laboratory Corporation of America, LabCorp); PubMed 30701169 (cited by Women's Health and Genetics/Laboratory Corporation of America, LabCorp and Labcorp Genetics (formerly Invitae), Labcorp); PubMed 29588937 (cited by Women's Health and Genetics/Laboratory Corporation of America, LabCorp and Labcorp Genetics (formerly Invitae), Labcorp).